The following is an entry in ClinVar:

ClinVar aggregate classification (germline): Conflicting classifications of pathogenicity. Review status: criteria provided, conflicting classifications (1 of 4 stars). 3 submissions from 3 submitters: Uncertain significance (1); Likely benign (2). Last evaluated 2026-01-20.

Conditions:
Inborn genetic diseases. Identifiers: MedGen C0950123, MeSH D030342.
Holocarboxylase synthetase deficiency. Also called: MULTIPLE CARBOXYLASE DEFICIENCY, EARLY ONSET. Identifiers: Orphanet 79242, MedGen C0268581, MONDO:0009666, OMIM 253270.

Allele frequency attached by ClinVar (database versions not stated): gnomAD exomes 0.00005 and 0.00017; gnomAD 0.00007 and 0.00008; ESP Exome Variant Server 0.00008; TOPMed 0.00008; ExAC 0.00013; 1000 Genomes Project 30x 0.00016; 1000 Genomes Project 0.00020.
gnomAD v4.1: 92 of 1,614,234 alleles (0.0057%); highest among the groups gnomAD compares: East Asian, 0.029%; no homozygotes.

Submissions (3):

Labcorp Genetics (formerly Invitae), Labcorp
Classification: Likely benign for Holocarboxylase synthetase deficiency. Last evaluated: 2026-01-20. Review status: criteria provided, single submitter. Criteria: Invitae Variant Classification Sherloc (09022015). Collection method: clinical testing. Allele origin: germline.

Ambry Genetics
Classification: Uncertain significance for Inborn genetic diseases. Last evaluated: 2023-09-22. Review status: criteria provided, single submitter. Criteria: Ambry Variant Classification Scheme 2023. Collection method: clinical testing. Allele origin: germline.

GeneDx
Classification: Likely benign. Last evaluated: 2013-10-29. Review status: criteria provided, single submitter. Criteria: GeneDx Variant Classification (06012015). Collection method: clinical testing. Allele origin: germline. Affected: yes.
Comment: This variant is considered likely benign or benign based on one or more of the following criteria: it is a conservative change, it occurs at a poorly conserved position in the protein, it is predicted to be benign by multiple in silico algorithms, and/or has population frequency not consistent with disease.

NM_001352514.2(HLCS):c.1291G>A (p.Val431Ile)

Gene: HLCS (holocarboxylase synthetase; minus strand). Cytogenetic location: 21q22.13.
Variant type: single nucleotide variant.
Coding change: c.1291G>A on transcript NM_001352514.2 (MANE Select); coding-DNA position 1291, G replaced by A.
Protein change: p.Val431Ile; replaces valine 431 with isoleucine.
Molecular consequence: missense variant. On other transcripts: non-coding transcript variant (2).
Genome position (GRCh38, 1-based): chr21:36,936,595, C>T on the plus strand (G>A on the coding strand, the complement: HLCS is on the minus strand). VCF-style: chr21-36936595-C-T. GRCh37 (hg19) VCF-style: chr21-38308895-C-T.
Other names: p.V284I:GTC>ATC; c.850G>A, p.Val284Ile (NM_000411.8, NM_001242784.3, NM_001242785.2 and 4 more transcripts); short protein forms V284I, V431I.
Identifiers: ClinVar variation 203763 (VCV000203763.13), dbSNP rs376903098, ClinGen allele CA312611.
Genomic context (GRCh38, chr21:36,936,595, plus strand): 5'-GGAGCCTGCCGGGGCTGAGCCGGACGGGGCCTTCCTGGTACCTGCAGCCACTGCTCAAGA[C>T]GCTGAGCTTCACCTCGCTCTGGTCAGCCTTGGAGAAAACCAAGTTCTGGACTGTCTTGTG-3'
Protein context (NP_001339443.1, residues 421-441): KADQSEVKLS[Val431Ile]LSSGCRYQEG